The following is an entry in ClinVar:

ClinVar aggregate classification (germline): Uncertain significance (1 of 4 stars; one submission).

Conditions:
L-2-hydroxyglutaric aciduria (L2HGA). Identifiers: Orphanet 79314, MedGen C1855995, MONDO:0009370, OMIM 236792, HP:0040144.

Submission:

Labcorp Genetics (formerly Invitae), Labcorp
Classification: Uncertain significance for L-2-hydroxyglutaric aciduria. Last evaluated: 2019-10-09. Review status: criteria provided, single submitter. Criteria: Invitae Variant Classification Sherloc (09022015). Collection method: clinical testing. Allele origin: germline.
Comment: In summary, the available evidence is currently insufficient to determine the role of this variant in disease. Therefore, it has been classified as a Variant of Uncertain Significance. This variant disrupts the p.Gly260 amino acid residue in L2HGDH. Other variant(s) that disrupt this residue have been observed in individuals with L2HGDH-related conditions (PMID: 20052767, 22030381), which suggests that this may be a clinically significant amino acid residue. Algorithms developed to predict the effect of missense changes on protein structure and function are either unavailable or do not agree on the potential impact of this missense change (SIFT: "Deleterious"; PolyPhen-2: "Probably Damaging"; Align-GVGD: "Class C0"). This variant has been observed in an individual affected with L-2-hydroxyglutaric aciduria (PMID: 20052767). This variant is not present in population databases (ExAC no frequency). This sequence change replaces glycine with valine at codon 260 of the L2HGDH protein (p.Gly260Val). The glycine residue is highly conserved and there is a moderate physicochemical difference between glycine and valine.

Literature cited by the submitters: PubMed 20052767; PubMed 22030381.

NM_024884.3(L2HGDH):c.779G>T (p.Gly260Val)

Gene: L2HGDH (L-2-hydroxyglutarate dehydrogenase; minus strand). Cytogenetic location: 14q21.3.
Variant type: single nucleotide variant.
Coding change: c.779G>T on transcript NM_024884.3 (MANE Select); coding-DNA position 779, G replaced by T.
Protein change: p.Gly260Val; replaces glycine 260 with valine.
Molecular consequence: missense variant.
Genome position (GRCh38, 1-based): chr14:50,269,290, C>A on the plus strand (G>T on the coding strand, the complement: L2HGDH is on the minus strand). VCF-style: chr14-50269290-C-A. GRCh37 (hg19) VCF-style: chr14-50736008-C-A.
Other names: short protein forms G260V.
Identifiers: ClinVar variation 947758 (VCV000947758.9), dbSNP rs776859735, ClinGen allele CA389650550.